The following is an entry in ClinVar:

NM_152490.5(B3GALNT2):c.763-6T>C

Gene: B3GALNT2 (beta-1,3-N-acetylgalactosaminyltransferase 2; minus strand). Cytogenetic location: 1q42.3.
Variant type: single nucleotide variant.
Coding change: c.763-6T>C on transcript NM_152490.5 (MANE Select); 6 bases into the intron before coding-DNA position 763, T replaced by C.
Molecular consequence: intron variant.
Genome position (GRCh38, 1-based): chr1:235,465,720, A>G on the plus strand (T>C on the coding strand, the complement: B3GALNT2 is on the minus strand). VCF-style: chr1-235465720-A-G. GRCh37 (hg19) VCF-style: chr1-235629037-A-G.
Other names: c.886-6T>C (NM_001277155.3).
Identifiers: ClinVar variation 1992569 (VCV001992569.4), dbSNP rs2527200911, ClinGen allele CA2580062316.

ClinVar aggregate classification (germline): Uncertain significance (1 of 4 stars; one submission).

Conditions:
Muscular dystrophy-dystroglycanopathy (congenital with brain and eye anomalies), type a, 11 (MDDGA11). Also called: Congenital muscular dystrophy-dystroglycanopathy with brain and eye anomalies, type A11; WALKER-WARBURG SYNDROME OR MUSCLE-EYE-BRAIN DISEASE, B3GALNT2-RELATED; Muscular dystrophy-dystroglycanopathy (congenital with brain and eye anomalies, type A, 11. Identifiers: Orphanet 588, Orphanet 899, MedGen C3554638, MONDO:0014071, OMIM 615181.

Submission:

Labcorp Genetics (formerly Invitae), Labcorp
Classification: Uncertain significance for Muscular dystrophy-dystroglycanopathy (congenital with brain and eye anomalies), type a, 11. Last evaluated: 2022-05-09. Review status: criteria provided, single submitter. Criteria: Invitae Variant Classification Sherloc (09022015). Collection method: clinical testing. Allele origin: germline.
Comment: This variant has not been reported in the literature in individuals affected with B3GALNT2-related conditions. This variant is not present in population databases (gnomAD no frequency). This sequence change falls in intron 6 of the B3GALNT2 gene. It does not directly change the encoded amino acid sequence of the B3GALNT2 protein. Algorithms developed to predict the effect of sequence changes on RNA splicing suggest that this variant may disrupt the consensus splice site. In summary, the available evidence is currently insufficient to determine the role of this variant in disease. Therefore, it has been classified as a Variant of Uncertain Significance.